The following is an entry in ClinVar:

NM_001012763.1(GNRHR):c.30_31delinsAA (p.Asn10_Gln11delinsLysLys)

Gene: GNRHR (gonadotropin releasing hormone receptor; minus strand). Cytogenetic location: 4q13.2.
Variant type: Indel.
Coding change: c.30_31delinsAA on transcript NM_001012763.1; coding-DNA positions 30 to 31, TC replaced by AA.
Protein change: p.Asn10_Gln11delinsLysLys.
Molecular consequence: missense variant (on NM_000406.3).
Genome position (GRCh38, 1-based): chr4:67,754,305-67,754,306, GA replaced by TT on the plus strand (TC replaced by AA on the coding strand, the reverse complement: GNRHR is on the minus strand). VCF-style: chr4-67754305-GA-TT. GRCh37 (hg19) VCF-style: chr4-68620023-GA-TT.
Other names: c.30_31delinsAA, p.Asn10_Gln11delinsLysLys (NM_000406.3, NM_001012763.2); c.30_31delTCinsAA (NM_000406.2).
Identifiers: ClinVar variation 189195 (VCV000189195.11), dbSNP rs281865427, ClinGen allele CA130211.

ClinVar aggregate classification (germline): Pathogenic/Likely pathogenic. Review status: criteria provided, multiple submitters, no conflicts (2 of 4 stars). 7 submissions from 7 submitters: Pathogenic (4); Likely pathogenic (2). 1 of the submissions does not count toward it. Last evaluated 2025-10-22.

Conditions:
GNRHR-related disorders.
Hypogonadotropic hypogonadism 7 with or without anosmia (HH7). Also called: HYPOGONADOTROPIC HYPOGONADISM 7 WITHOUT ANOSMIA; GNRHR-Related GnRH Deficiency. Identifiers: Orphanet 432, MedGen C0342384, MONDO:0007794, OMIM 146110.

Submissions (7):

Labcorp Genetics (formerly Invitae), Labcorp
Classification: Pathogenic. Last evaluated: 2025-10-22. Review status: criteria provided, single submitter. Criteria: Invitae Variant Classification Sherloc (09022015). Collection method: clinical testing. Allele origin: germline.
Comment: This variant, c.30_31delinsAA, is a complex sequence change that results in the deletion of 2 and insertion of 2 amino acid(s) in the GNRHR protein (p.Asn10_Gln11delinsLysLys). Information on the frequency of this variant in the gnomAD database is not available, as this variant may be reported differently in the database. This variant has been observed in individual(s) with Kallman syndrome or hypogonadotropic hypogonadism (PMID: 15240592, 31200363, 34198905; internal data). In at least one individual the data is consistent with being in trans (on the opposite chromosome) from a pathogenic variant. This variant is also known as two separate variants, c.30T>A (p.Asn10Lys) and c.31C>A (p.Gln11Lys). ClinVar contains an entry for this variant (Variation ID: 189195). Algorithms developed to predict the effect of variants on gene product structure and function are not available or were not evaluated for this variant. Experimental studies have shown that this variant affects GNRHR function (PMID: 15240592). For these reasons, this variant has been classified as Pathogenic.

First Genomix Gene Laboratory, Genetic Diagnostics Department
Classification: Likely pathogenic for Hypogonadotropic hypogonadism 7 with or without anosmia. Last evaluated: 2025-03-21. Review status: criteria provided, single submitter. Criteria: ACMG Guidelines, 2015. Collection method: clinical testing. Allele origin: germline. Inheritance: Autosomal recessive inheritance. Affected: no. Observed: 1 variant allele.

Fulgent Genetics
Classification: Likely pathogenic for Hypogonadotropic hypogonadism 7 with or without anosmia. Last evaluated: 2024-01-06. Review status: criteria provided, single submitter. Criteria: ACMG Guidelines, 2015. Collection method: clinical testing. Allele origin: germline.

Athena Diagnostics
Classification: Pathogenic. Last evaluated: 2022-11-11. Review status: criteria provided, single submitter. Criteria: Athena Diagnostics Criteria. Collection method: clinical testing. Allele origin: unknown.
Comment: The frequency of this variant in the general population is consistent with pathogenicity. This variant segregates with disease in multiple families. Assessment of experimental evidence suggests this variant results in abnormal protein function. (PMID: 15240592) In multiple individuals, this variant has been seen with a single recessive pathogenic variant in the same gene, suggesting this variant may also be pathogenic.

Blueprint Genetics
Classification: Pathogenic for GNRHR-related disorders. Last evaluated: 2022-07-12. Review status: criteria provided, single submitter. Criteria: ACMG Guidelines, 2015. Collection method: clinical testing. Allele origin: germline. Affected: yes. Observed: 2 variant alleles.

GeneDx
Classification: Pathogenic. Last evaluated: 2022-05-04. Review status: criteria provided, single submitter. Criteria: GeneDx Variant Classification Process June 2021. Collection method: clinical testing. Allele origin: germline. Affected: yes.
Comment: Published functional studies demonstrate a damaging effect on binding ability and inositol phosphate production (Meysing et al., 2004); In silico analysis supports that this variant does not alter protein structure/function; This variant is associated with the following publications: (PMID: 15240592, 29419413, 31200363, 23643382, 20696889, 22745237, 34198905, 31589614)

OMIM
Classification: Pathogenic for HYPOGONADOTROPIC HYPOGONADISM 7 WITHOUT ANOSMIA. Last evaluated: 2004-07-01. Review status: no assertion criteria provided. Collection method: literature only. Allele origin: germline. Not counted in ClinVar's aggregate classification.

Literature cited by the submitters: PubMed 15240592 (cited by 3 submitters); PubMed 31200363 (cited by Labcorp Genetics (formerly Invitae), Labcorp and Athena Diagnostics); PubMed 34198905 (cited by Labcorp Genetics (formerly Invitae), Labcorp and Athena Diagnostics); PubMed 29419413 (cited by Athena Diagnostics); PubMed 23643382 (cited by Athena Diagnostics); PubMed 20696889 (cited by Athena Diagnostics); PubMed 22745237 (cited by Athena Diagnostics); PubMed 31589614 (cited by Athena Diagnostics); PubMed 25016926 (cited by Athena Diagnostics); PubMed 23341491 (cited by Athena Diagnostics); PubMed 23295295 (cited by Athena Diagnostics); PubMed 22766261 (cited by Athena Diagnostics); PubMed 11397871 (cited by Athena Diagnostics).